The following is an entry in ClinVar:

NM_001378454.1(ALMS1):c.5462C>T (p.Pro1821Leu)

Gene: ALMS1 (ALMS1 centrosome and basal body associated protein; plus strand). Cytogenetic location: 2p13.1.
Variant type: single nucleotide variant.
Coding change: c.5462C>T on transcript NM_001378454.1 (MANE Select); coding-DNA position 5462, C replaced by T.
Protein change: p.Pro1821Leu; replaces proline 1821 with leucine.
Molecular consequence: missense variant.
Genome position (GRCh38, 1-based): chr2:73,451,989, C>T. VCF-style: chr2-73451989-C-T. GRCh37 (hg19) VCF-style: chr2-73679116-C-T.
Other names: c.5465C>T, p.Pro1822Leu (NM_015120.4); short protein forms P1822L, P1821L.
Identifiers: ClinVar variation 241003 (VCV000241003.21), dbSNP rs200266868, ClinGen allele CA1713890.

ClinVar aggregate classification (germline): Conflicting classifications of pathogenicity. Review status: criteria provided, conflicting classifications (1 of 4 stars). 8 submissions from 8 submitters: Uncertain significance (4); Likely benign (3). 1 of the submissions does not count toward it. Last evaluated 2025-08-21.

Conditions:
Cardiovascular phenotype. Identifiers: MedGen CN230736.
Monogenic diabetes. Identifiers: Orphanet 183625, MedGen C3888631, MONDO:0015967.
Alstrom syndrome (ALMS). Identifiers: Orphanet 64, MedGen C0268425, MONDO:0008763, OMIM 203800.

Allele frequency attached by ClinVar (database versions not stated): gnomAD exomes 0.00015; ExAC 0.00016; ESP Exome Variant Server 0.00025; gnomAD 0.00062 and 0.00064; TOPMed 0.00082; 1000 Genomes Project 0.00120; 1000 Genomes Project 30x 0.00125.
gnomAD v4.1: 261 of 1,613,398 alleles (0.016%); highest among the groups gnomAD compares: Admixed American, 0.13%; 1 homozygote.

Submissions (8):

GeneDx
Classification: Uncertain significance. Last evaluated: 2025-08-21. Review status: criteria provided, single submitter. Criteria: GeneDx Variant Classification Process June 2021. Collection method: clinical testing. Allele origin: germline. Affected: yes.
Comment: Observed heterozygous with no other ALMS1 variant in a patient with Alstrom syndrome in published literature (PMID: 22876109); Observed in a patient with a diagnosis of blindness in published literature, although additional clinical information was not provided (PMID: 32483926); In silico analysis supports that this missense variant has a deleterious effect on protein structure/function; This variant is associated with the following publications: (PMID: 32483926, 22876109, 31308072)

Blueprint Genetics
Classification: Likely benign. Last evaluated: 2024-11-13. Review status: criteria provided, single submitter. Criteria: ACMG Guidelines, 2015. Collection method: clinical testing. Allele origin: germline.

Labcorp Genetics (formerly Invitae), Labcorp
Classification: Uncertain significance for Alstrom syndrome. Last evaluated: 2022-10-17. Review status: criteria provided, single submitter. Criteria: Invitae Variant Classification Sherloc (09022015). Collection method: clinical testing. Allele origin: germline.
Comment: This sequence change replaces proline, which is neutral and non-polar, with leucine, which is neutral and non-polar, at codon 1822 of the ALMS1 protein (p.Pro1822Leu). This variant is present in population databases (rs200266868, gnomAD 0.09%), including at least one homozygous and/or hemizygous individual. This missense change has been observed in individual(s) with Alstrom syndrome (PMID: 22876109). ClinVar contains an entry for this variant (Variation ID: 241003). Experimental studies and prediction algorithms are not available or were not evaluated, and the functional significance of this variant is currently unknown. In summary, the available evidence is currently insufficient to determine the role of this variant in disease. Therefore, it has been classified as a Variant of Uncertain Significance.

New York Genome Center
Classification: Uncertain significance for Alstrom syndrome. Last evaluated: 2022-04-22. Review status: criteria provided, single submitter. Criteria: NYGC Assertion Criteria 2020. Collection method: clinical testing. Allele origin: germline. Observed: 1 heterozygote.

Ambry Genetics
Classification: Likely benign for Cardiovascular phenotype. Last evaluated: 2021-10-22. Review status: criteria provided, single submitter. Criteria: Ambry Variant Classification Scheme 2023. Collection method: clinical testing. Allele origin: germline.

Eurofins Ntd Llc (ga)
Classification: Uncertain significance. Last evaluated: 2018-02-02. Review status: criteria provided, single submitter. Criteria: EGL Classification Definitions 2015. Collection method: clinical testing. Allele origin: germline. Observed: 1 variant allele, 1 heterozygote.

Personalized Diabetes Medicine Program, University of Maryland School of Medicine
Classification: Likely benign for Monogenic diabetes. Last evaluated: 2017-05-19. Review status: criteria provided, single submitter. Criteria: ACMG Guidelines, 2015. Collection method: research. Allele origin: unknown. Observed: 1 variant allele, 1 heterozygote.
Comment: ACMG criteria: PP3 (4 predictors), BP4 (5 predictors), BP1 (missense when truncating is disease causing)=likely benign

Counsyl
Classification: Uncertain significance for Alstrom syndrome. Last evaluated: 2017-03-07. Review status: no assertion criteria provided. Collection method: clinical testing. Allele origin: unknown. Not counted in ClinVar's aggregate classification.

Literature cited by the submitters: PubMed 22876109 (cited by Labcorp Genetics (formerly Invitae), Labcorp and Counsyl).